The following is an entry in ClinVar:

ClinVar aggregate classification (germline): Uncertain significance. Review status: criteria provided, multiple submitters, no conflicts (2 of 4 stars). 2 submissions from 2 submitters: Uncertain significance (2). Last evaluated 2025-09-29.

Conditions:
Colorectal cancer, susceptibility to, 1. Also called: COLORECTAL ADENOMA AND CANCER, SUSCEPTIBILITY TO; COLORECTAL CANCER, SUSCEPTIBILITY TO, ON CHROMOSOME 9. Identifiers: MedGen C1837315, MONDO:0012132, OMIM 608812.

Allele frequency attached by ClinVar (database versions not stated): TOPMed 0.00001; gnomAD 0.00001; ExAC 0.00001.
gnomAD v4.1: 11 of 1,611,318 alleles (0.00068%); highest among the groups gnomAD compares: Admixed American, 0.0083%; no homozygotes.

Submissions (2):

Ambry Genetics
Classification: Uncertain significance. Last evaluated: 2025-09-29. Review status: criteria provided, single submitter. Criteria: Ambry Variant Classification Scheme 2023. Collection method: clinical testing. Allele origin: germline.
Comment: The p.R186H variant (also known as c.557G>A), located in coding exon 3 of the GALNT12 gene, results from a G to A substitution at nucleotide position 557. The arginine at codon 186 is replaced by histidine, an amino acid with highly similar properties. This amino acid position is conserved. In addition, this alteration is predicted to be tolerated by in silico analysis. Since supporting evidence is limited at this time, the clinical significance of this alteration remains unclear.

Baylor Genetics
Classification: Uncertain significance for Colorectal cancer, susceptibility to, 1. Last evaluated: 2024-02-22. Review status: criteria provided, single submitter. Criteria: ACMG Guidelines, 2015. Collection method: clinical testing. Allele origin: unknown.

NM_024642.5(GALNT12):c.557G>A (p.Arg186His)

Gene: GALNT12 (polypeptide N-acetylgalactosaminyltransferase 12; plus strand). Cytogenetic location: 9q22.33.
Variant type: single nucleotide variant.
Coding change: c.557G>A on transcript NM_024642.5 (MANE Select); coding-DNA position 557, G replaced by A.
Protein change: p.Arg186His; replaces arginine 186 with histidine.
Molecular consequence: missense variant.
Genome position (GRCh38, 1-based): chr9:98,826,767, G>A. VCF-style: chr9-98826767-G-A. GRCh37 (hg19) VCF-style: chr9-101589049-G-A.
Other names: short protein forms R186H.
Identifiers: ClinVar variation 1748413 (VCV001748413.5), dbSNP rs758830613, ClinGen allele CA5153988.